The following is an entry in ClinVar:

ClinVar aggregate classification (germline): Uncertain significance. Review status: criteria provided, multiple submitters, no conflicts (2 of 4 stars). 4 submissions from 4 submitters: Uncertain significance (4). Last evaluated 2024-10-09.

Conditions:
Inborn genetic diseases. Identifiers: MedGen C0950123, MeSH D030342.

Allele frequency attached by ClinVar (database versions not stated): gnomAD 0.00003 and 0.00004; TOPMed 0.00003; gnomAD exomes 0.00004 and 0.00005; ExAC 0.00006.
gnomAD v4.1: 66 of 1,611,468 alleles (0.0041%); highest among the groups gnomAD compares: Non-Finnish European, 0.0053%; no homozygotes.

Submissions (4):

Blueprint Genetics
Classification: Uncertain significance. Last evaluated: 2024-10-09. Review status: criteria provided, single submitter. Criteria: ACMG Guidelines, 2015. Collection method: clinical testing. Allele origin: germline.

Ambry Genetics
Classification: Uncertain significance for Inborn genetic diseases. Last evaluated: 2023-09-29. Review status: criteria provided, single submitter. Criteria: Ambry Variant Classification Scheme 2023. Collection method: clinical testing. Allele origin: germline.

Labcorp Genetics (formerly Invitae), Labcorp
Classification: Uncertain significance. Last evaluated: 2022-09-01. Review status: criteria provided, single submitter. Criteria: Invitae Variant Classification Sherloc (09022015). Collection method: clinical testing. Allele origin: germline.
Comment: This sequence change replaces isoleucine, which is neutral and non-polar, with threonine, which is neutral and polar, at codon 79 of the ADAM9 protein (p.Ile79Thr). This variant is present in population databases (rs767418357, gnomAD 0.01%). This variant has not been reported in the literature in individuals affected with ADAM9-related conditions. ClinVar contains an entry for this variant (Variation ID: 1425717). Algorithms developed to predict the effect of missense changes on protein structure and function are either unavailable or do not agree on the potential impact of this missense change (SIFT: "Deleterious"; PolyPhen-2: "Possibly Damaging"; Align-GVGD: "Class C0"). In summary, the available evidence is currently insufficient to determine the role of this variant in disease. Therefore, it has been classified as a Variant of Uncertain Significance.

Breakthrough Genomics
Classification: Uncertain significance. Review status: criteria provided, single submitter. Criteria: ACMG Guidelines, 2015. Collection method: not provided. Allele origin: germline. Inheritance: Autosomal recessive inheritance. Affected: yes.

NM_003816.3(ADAM9):c.236T>C (p.Ile79Thr)

Gene: ADAM9 (ADAM metallopeptidase domain 9; plus strand). Cytogenetic location: 8p11.22.
Variant type: single nucleotide variant.
Coding change: c.236T>C on transcript NM_003816.3 (MANE Select); coding-DNA position 236, T replaced by C.
Protein change: p.Ile79Thr; replaces isoleucine 79 with threonine.
Molecular consequence: missense variant. On other transcripts: non-coding transcript variant (3).
Genome position (GRCh38, 1-based): chr8:39,011,698, T>C. VCF-style: chr8-39011698-T-C. GRCh37 (hg19) VCF-style: chr8-38869217-T-C.
Other names: c.236T>C (NM_003816.2); short protein forms I79T.
Identifiers: ClinVar variation 1425717 (VCV001425717.6), dbSNP rs767418357, ClinGen allele CA4721252.